The following is an entry in ClinVar:

NM_001042492.3(NF1):c.260dup (p.Leu87fs)

Gene: NF1 (neurofibromin 1; plus strand). Cytogenetic location: 17q11.2.
Variant type: Duplication.
Coding change: c.260dup on transcript NM_001042492.3 (MANE Select); coding-DNA position 260, one base duplicated (T; older notation c.260dupT).
Protein change: p.Leu87fs; shifts the reading frame from leucine 87.
Molecular consequence: frameshift variant.
Genome position (GRCh38, 1-based): chr17:31,159,065, T duplicated; the last of 2 consecutive T bases (chr17:31,159,064-31,159,065); duplicating either gives the same sequence. VCF-style (leftmost placement, unchanged base first): chr17-31159063-A-AT. GRCh37 (hg19) VCF-style: chr17-29486081-A-AT.
Other names: c.260dup, p.Leu87Phefs (NM_000267.4); c.260dup, p.Leu87fs (NM_001128147.3); short protein forms L87fs.
Identifiers: ClinVar variation 2771144 (VCV002771144.3), dbSNP rs2544690717, ClinGen allele CA2697559530.

ClinVar aggregate classification (germline): Pathogenic (1 of 4 stars; one submission).

Conditions:
Neurofibromatosis, type 1 (NF1). Also called: VON RECKLINGHAUSEN DISEASE; Neurofibromatosis, type I; NEUROFIBROMATOSIS, TYPE I, SOMATIC; Peripheral type neurofibromatosis. Identifiers: Orphanet 636, MedGen C0027831, MONDO:0018975, OMIM 162200. Disease mechanism: loss of function.

Submission:

Labcorp Genetics (formerly Invitae), Labcorp
Classification: Pathogenic for Neurofibromatosis, type 1. Last evaluated: 2023-10-23. Review status: criteria provided, single submitter. Criteria: Invitae Variant Classification Sherloc (09022015). Collection method: clinical testing. Allele origin: germline.
Comment: This sequence change creates a premature translational stop signal (p.Leu87Phefs*20) in the NF1 gene. It is expected to result in an absent or disrupted protein product. Loss-of-function variants in NF1 are known to be pathogenic (PMID: 10712197, 23913538). This variant is not present in population databases (gnomAD no frequency). This variant has not been reported in the literature in individuals affected with NF1-related conditions. For these reasons, this variant has been classified as Pathogenic.

Literature cited by the submitters: PubMed 10712197; PubMed 23913538.